The following is an entry in ClinVar:

NR_146000.1(MEG8):n.1688G>A

Gene: MEG8 (maternally expressed 8, small nucleolar RNA host gene; plus strand). Cytogenetic location: 14q32.31.
Variant type: single nucleotide variant.
Molecular consequence: non-coding transcript variant (on NR_146000.1).
Genome position: GRCh38 VCF-style: chr14-100948987-G-A. GRCh37 (hg19) VCF-style: chr14-101415324-G-A.
Identifiers: ClinVar variation 3250898 (VCV003250898.18), dbSNP rs118167762.

ClinVar aggregate classification (germline): Benign (1 of 4 stars; one submission).

Allele frequency attached by ClinVar (database versions not stated): 1000 Genomes Project 30x 0.00312; 1000 Genomes Project 0.00319; gnomAD 0.00644.

Submission:

CeGaT Center for Human Genetics Tuebingen
Classification: Benign. Last evaluated: 2024-06-01. Review status: criteria provided, single submitter. Criteria: CeGaT Center For Human Genetics Tuebingen Variant Classification Criteria Version 2. Collection method: clinical testing. Allele origin: germline. Affected: yes. Observed: 1 variant allele.
Comment: MEG8: BS1, BS2